The following is an entry in ClinVar:

NM_000051.4(ATM):c.8341G>C (p.Val2781Leu)

Genes: ATM (ATM serine/threonine kinase; plus strand), C11orf65 (chromosome 11 open reading frame 65; minus strand). Cytogenetic location: 11q22.3.
Variant type: single nucleotide variant.
Coding change: c.8341G>C on transcript NM_000051.4 (MANE Select); coding-DNA position 8341, G replaced by C.
Protein change: p.Val2781Leu; replaces valine 2781 with leucine.
Molecular consequence: missense variant. On other transcripts: intron variant (2).
Genome position (GRCh38, 1-based): chr11:108,343,294, G>C. VCF-style: chr11-108343294-G-C. GRCh37 (hg19) VCF-style: chr11-108214021-G-C.
Other names: c.8341G>C, p.Val2781Leu (NM_001351834.2); c.641-34223C>G (NM_001330368.2); c.695-8002C>G (NM_001351110.2); short protein forms V2781L.
Identifiers: ClinVar variation 4169460 (VCV004169460.1).

ClinVar aggregate classification (germline): Uncertain significance (1 of 4 stars; one submission).

Conditions:
Hereditary cancer-predisposing syndrome. Also called: Neoplastic Syndromes, Hereditary; Tumor predisposition; Hereditary neoplastic syndrome; Hereditary Cancer Syndrome. Identifiers: Orphanet 140162, MedGen C0027672, MeSH D009386, MONDO:0015356.

gnomAD v4.1: 1 of 1,613,882 alleles (0.000062%); highest among the groups gnomAD compares: Non-Finnish European, 0.000085%; no homozygotes.

Submission:

Ambry Genetics
Classification: Uncertain significance for Hereditary cancer-predisposing syndrome. Last evaluated: 2025-07-20. Review status: criteria provided, single submitter. Criteria: Ambry Variant Classification Scheme 2023. Collection method: clinical testing. Allele origin: germline.
Comment: The p.V2781L variant (also known as c.8341G>C), located in coding exon 56 of the ATM gene, results from a G to C substitution at nucleotide position 8341. The valine at codon 2781 is replaced by leucine, an amino acid with highly similar properties. This amino acid position is conserved. In addition, the in silico prediction for this alteration is inconclusive. Based on the available evidence, the clinical significance of this variant remains unclear.